The following is an entry in ClinVar:

ClinVar aggregate classification (germline): Likely benign. Review status: criteria provided, multiple submitters, no conflicts (2 of 4 stars). 3 submissions from 3 submitters: Likely benign (3). Last evaluated 2025-11-25.

Conditions:
Autosomal dominant pseudohypoaldosteronism type 1. Also called: Pseudohypoaldosteronism, Type I, Autosomal Dominant; PHA I, AUTOSOMAL DOMINANT; Pseudohypoaldosteronism, Type I, Dominant. Identifiers: Orphanet 171871, Orphanet 756, MedGen C1449842, MONDO:0008329, OMIM 177735.

Allele frequency attached by ClinVar (database versions not stated): TOPMed 0.00011; ESP Exome Variant Server 0.00023; 1000 Genomes Project 0.00040; 1000 Genomes Project 30x 0.00047.
gnomAD v4.1: 213 of 1,541,480 alleles (0.014%); highest among the groups gnomAD compares: South Asian, 0.14%; 2 homozygotes.

Submissions (3):

Labcorp Genetics (formerly Invitae), Labcorp
Classification: Likely benign. Last evaluated: 2025-11-25. Review status: criteria provided, single submitter. Criteria: Invitae Variant Classification Sherloc (09022015). Collection method: clinical testing. Allele origin: germline.

Illumina Laboratory Services, Illumina
Classification: Likely benign for Autosomal dominant pseudohypoaldosteronism type 1. Last evaluated: 2017-04-28. Review status: criteria provided, single submitter. Criteria: ICSL Variant Classification Criteria 13 December 2019. Collection method: clinical testing. Allele origin: germline.
Comment: This variant was observed as part of a predisposition screen in an ostensibly healthy population. A literature search was performed for the gene, cDNA change, and amino acid change (where applicable). No publications were found based on this search. Allele frequency data from public databases allowed determination this variant is unlikely to cause disease. Therefore, this variant is classified as likely benign.

Breakthrough Genomics
Classification: Likely benign. Review status: criteria provided, single submitter. Criteria: ACMG Guidelines, 2015. Collection method: not provided. Allele origin: germline. Inheritance: Autosomal dominant inheritance. Affected: yes.

NM_000901.5(NR3C2):c.2126C>T (p.Thr709Met)

Gene: NR3C2 (nuclear receptor subfamily 3 group C member 2; minus strand). Cytogenetic location: 4q31.23.
Variant type: single nucleotide variant.
Coding change: c.2126C>T on transcript NM_000901.5 (MANE Select); coding-DNA position 2126, C replaced by T.
Protein change: p.Thr709Met; replaces threonine 709 with methionine.
Molecular consequence: missense variant. On other transcripts: intron variant (2).
Genome position (GRCh38, 1-based): chr4:148,154,790, G>A on the plus strand (C>T on the coding strand, the complement: NR3C2 is on the minus strand). VCF-style: chr4-148154790-G-A. GRCh37 (hg19) VCF-style: chr4-149075941-G-A.
Other names: c.2015-2177C>T (NM_001354819.1, NM_001166104.2); short protein forms T709M.
Identifiers: ClinVar variation 347723 (VCV000347723.10), dbSNP rs139938639, ClinGen allele CA3100158.